The following is an entry in ClinVar:

ClinVar aggregate classification (germline): Uncertain significance (1 of 4 stars; one submission).

gnomAD v4.1: 1 of 1,613,912 alleles (0.000062%); highest among the groups gnomAD compares: Non-Finnish European, 0.000085%; no homozygotes.

Submission:

GeneDx
Classification: Uncertain significance. Last evaluated: 2019-08-14. Review status: criteria provided, single submitter. Criteria: GeneDx Variant Classification Process June 2021. Collection method: clinical testing. Allele origin: germline. Affected: yes.
Comment: Not observed in large population cohorts (Lek et al., 2016); In silico analysis, which includes protein predictors and evolutionary conservation, supports a deleterious effect; Has not been previously published as pathogenic or benign to our knowledge

NM_020461.4(TUBGCP6):c.2240C>T (p.Ser747Phe)

Gene: TUBGCP6 (tubulin gamma complex component 6; minus strand). Cytogenetic location: 22q13.33.
Variant type: single nucleotide variant.
Coding change: c.2240C>T on transcript NM_020461.4 (MANE Select); coding-DNA position 2240, C replaced by T.
Protein change: p.Ser747Phe; replaces serine 747 with phenylalanine.
Molecular consequence: missense variant.
Genome position (GRCh38, 1-based): chr22:50,224,171, G>A on the plus strand (C>T on the coding strand, the complement: TUBGCP6 is on the minus strand). VCF-style: chr22-50224171-G-A. GRCh37 (hg19) VCF-style: chr22-50662600-G-A.
Other names: short protein forms S747F.
Identifiers: ClinVar variation 1307487 (VCV001307487.2), dbSNP rs2147184677, ClinGen allele CA412101820.